The following is an entry in ClinVar:

ClinVar aggregate classification (germline): Uncertain significance. Review status: criteria provided, multiple submitters, no conflicts (2 of 4 stars). 2 submissions from 2 submitters: Uncertain significance (2). Last evaluated 2025-03-13.

Conditions:
Inborn genetic diseases. Identifiers: MedGen C0950123, MeSH D030342.

Allele frequency attached by ClinVar (database versions not stated): TOPMed 0.00003; gnomAD 0.00004; ExAC 0.00005.
gnomAD v4.1: 66 of 1,612,414 alleles (0.0041%); highest among the groups gnomAD compares: East Asian, 0.018%; no homozygotes.

Submissions (2):

Labcorp Genetics (formerly Invitae), Labcorp
Classification: Uncertain significance. Last evaluated: 2025-03-13. Review status: criteria provided, single submitter. Criteria: Invitae Variant Classification Sherloc (09022015). Collection method: clinical testing. Allele origin: germline.
Comment: This sequence change replaces valine, which is neutral and non-polar, with isoleucine, which is neutral and non-polar, at codon 114 of the DYNC2LI1 protein (p.Val114Ile). This variant is present in population databases (rs776935418, gnomAD 0.05%). This variant has not been reported in the literature in individuals affected with DYNC2LI1-related conditions. ClinVar contains an entry for this variant (Variation ID: 2528727). An algorithm developed to predict the effect of missense changes on protein structure and function outputs the following: PolyPhen-2: "Benign". The isoleucine amino acid residue is found in multiple mammalian species, which suggests that this missense change does not adversely affect protein function. In summary, the available evidence is currently insufficient to determine the role of this variant in disease. Therefore, it has been classified as a Variant of Uncertain Significance.

Ambry Genetics
Classification: Uncertain significance for Inborn genetic diseases. Last evaluated: 2023-03-23. Review status: criteria provided, single submitter. Criteria: Ambry Variant Classification Scheme 2023. Collection method: clinical testing. Allele origin: germline.

NM_016008.4(DYNC2LI1):c.340G>A (p.Val114Ile)

Gene: DYNC2LI1 (dynein cytoplasmic 2 light intermediate chain 1; plus strand). Cytogenetic location: 2p21.
Variant type: single nucleotide variant.
Coding change: c.340G>A on transcript NM_016008.4 (MANE Select); coding-DNA position 340, G replaced by A.
Protein change: p.Val114Ile; replaces valine 114 with isoleucine.
Molecular consequence: missense variant.
Genome position (GRCh38, 1-based): chr2:43,794,476, G>A. VCF-style: chr2-43794476-G-A. GRCh37 (hg19) VCF-style: chr2-44021615-G-A.
Other names: c.340G>A, p.Val114Ile (NM_001193464.2, NM_001348912.2, NM_001348913.2 and 1 more transcripts); short protein forms V114I.
Identifiers: ClinVar variation 2528727 (VCV002528727.3), dbSNP rs776935418, ClinGen allele CA1635815.